The following is an entry in ClinVar:

ClinVar aggregate classification (germline): Conflicting classifications of pathogenicity. Review status: criteria provided, conflicting classifications (1 of 4 stars). 3 submissions from 3 submitters: Uncertain significance (2); Likely benign (1). Last evaluated 2024-09-06.

Conditions:
Inborn genetic diseases. Identifiers: MedGen C0950123, MeSH D030342.
Developmental and epileptic encephalopathy, 18 (DEE18). Also called: Early infantile epileptic encephalopathy 18. Identifiers: Orphanet 369894, MedGen C3809624, MONDO:0014201, OMIM 615476.

Allele frequency attached by ClinVar (database versions not stated): gnomAD 0.00001; TOPMed 0.00002; ExAC 0.00004; gnomAD exomes 0.00004 and 0.00008.
gnomAD v4.1: 58 of 1,597,302 alleles (0.0036%); highest among the groups gnomAD compares: Admixed American, 0.028%; no homozygotes.

Submissions (3):

Ambry Genetics
Classification: Likely benign for Inborn genetic diseases. Last evaluated: 2024-09-06. Review status: criteria provided, single submitter. Criteria: Ambry Variant Classification Scheme 2023. Collection method: clinical testing. Allele origin: germline.

Labcorp Genetics (formerly Invitae), Labcorp
Classification: Uncertain significance. Last evaluated: 2024-01-19. Review status: criteria provided, single submitter. Criteria: Invitae Variant Classification Sherloc (09022015). Collection method: clinical testing. Allele origin: germline.
Comment: This sequence change replaces proline, which is neutral and non-polar, with leucine, which is neutral and non-polar, at codon 1887 of the SZT2 protein (p.Pro1887Leu). This variant is present in population databases (rs754585816, gnomAD 0.04%). This variant has not been reported in the literature in individuals affected with SZT2-related conditions. ClinVar contains an entry for this variant (Variation ID: 655177). Advanced modeling of protein sequence and biophysical properties (such as structural, functional, and spatial information, amino acid conservation, physicochemical variation, residue mobility, and thermodynamic stability) performed at Invitae indicates that this missense variant is expected to disrupt SZT2 protein function with a positive predictive value of 80%. In summary, the available evidence is currently insufficient to determine the role of this variant in disease. Therefore, it has been classified as a Variant of Uncertain Significance.

Genome-Nilou Lab
Classification: Uncertain significance for Developmental and epileptic encephalopathy, 18. Last evaluated: 2023-04-11. Review status: criteria provided, single submitter. Criteria: ACMG Guidelines, 2015. Collection method: clinical testing. Allele origin: germline. Affected: no.

NM_001365999.1(SZT2):c.5831C>T (p.Pro1944Leu)

Gene: SZT2 (SZT2 subunit of KICSTOR complex; plus strand). Cytogenetic location: 1p34.2.
Variant type: single nucleotide variant.
Coding change: c.5831C>T on transcript NM_001365999.1 (MANE Select); coding-DNA position 5831, C replaced by T.
Protein change: p.Pro1944Leu; replaces proline 1944 with leucine.
Molecular consequence: missense variant.
Genome position (GRCh38, 1-based): chr1:43,434,412, C>T. VCF-style: chr1-43434412-C-T. GRCh37 (hg19) VCF-style: chr1-43900083-C-T.
Other names: c.5660C>T, p.Pro1887Leu (NM_015284.4); short protein forms P1887L, P1944L.
Identifiers: ClinVar variation 655177 (VCV000655177.8), dbSNP rs754585816, ClinGen allele CA809719.